The following is an entry in ClinVar:

NM_015346.4(ZFYVE26):c.6191G>C (p.Gly2064Ala)

Gene: ZFYVE26 (zinc finger FYVE-type containing 26; minus strand). Cytogenetic location: 14q24.1.
Variant type: single nucleotide variant.
Coding change: c.6191G>C on transcript NM_015346.4 (MANE Select); coding-DNA position 6191, G replaced by C.
Protein change: p.Gly2064Ala; replaces glycine 2064 with alanine.
Molecular consequence: missense variant.
Genome position (GRCh38, 1-based): chr14:67,762,381, C>G on the plus strand (G>C on the coding strand, the complement: ZFYVE26 is on the minus strand). VCF-style: chr14-67762381-C-G. GRCh37 (hg19) VCF-style: chr14-68229098-C-G.
Other names: short protein forms G2064A.
Identifiers: ClinVar variation 1444756 (VCV001444756.5), dbSNP rs747918986, ClinGen allele CA262823884.

ClinVar aggregate classification (germline): Uncertain significance (1 of 4 stars; one submission).

Conditions:
Spastic paraplegia. Identifiers: MedGen C0037772, HP:0001258.

Allele frequency attached by ClinVar (database versions not stated): TOPMed below 0.00001.
gnomAD v4.1: 17 of 1,614,094 alleles (0.0011%); highest among the groups gnomAD compares: Non-Finnish European, 0.0014%; no homozygotes.

Submission:

Labcorp Genetics (formerly Invitae), Labcorp
Classification: Uncertain significance for Spastic paraplegia. Last evaluated: 2021-10-14. Review status: criteria provided, single submitter. Criteria: Invitae Variant Classification Sherloc (09022015). Collection method: clinical testing. Allele origin: germline.
Comment: This sequence change replaces glycine with alanine at codon 2064 of the ZFYVE26 protein (p.Gly2064Ala). The glycine residue is highly conserved and there is a small physicochemical difference between glycine and alanine. This variant is not present in population databases (ExAC no frequency). This variant has not been reported in the literature in individuals affected with ZFYVE26-related conditions. Algorithms developed to predict the effect of missense changes on protein structure and function are either unavailable or do not agree on the potential impact of this missense change (SIFT: "Deleterious"; PolyPhen-2: "Possibly Damaging"; Align-GVGD: "Class C0"). In summary, the available evidence is currently insufficient to determine the role of this variant in disease. Therefore, it has been classified as a Variant of Uncertain Significance.